The following is an entry in ClinVar:

NM_000257.4(MYH7):c.3621C>A (p.Ile1207=)

Gene: MYH7 (myosin heavy chain 7; minus strand). Cytogenetic location: 14q11.2.
Variant type: single nucleotide variant.
Coding change: c.3621C>A on transcript NM_000257.4 (MANE Select); coding-DNA position 3621, C replaced by A.
Protein change: p.Ile1207=; no amino-acid change (isoleucine 1207 retained).
Molecular consequence: synonymous variant.
Genome position (GRCh38, 1-based): chr14:23,419,950, G>T on the plus strand (C>A on the coding strand, the complement: MYH7 is on the minus strand). VCF-style: chr14-23419950-G-T. GRCh37 (hg19) VCF-style: chr14-23889159-G-T.
Identifiers: ClinVar variation 504954 (VCV000504954.19), dbSNP rs529700838, ClinGen allele CA038110.

ClinVar aggregate classification (germline): Likely benign. Review status: criteria provided, multiple submitters, no conflicts (2 of 4 stars). 8 submissions from 8 submitters: Likely benign (6). 2 of the submissions do not count toward it. Last evaluated 2025-12-22.

Conditions:
Cardiomyopathy (CMYO). Also called: Cardiomyopathies. Identifiers: Orphanet 167848, MedGen C0878544, MONDO:0004994, HP:0001638. Inheritance: Various modes of inheritance.
Cardiovascular phenotype. Identifiers: MedGen CN230736.
Hypertrophic cardiomyopathy. Also called: HYPERTROPHIC MYOCARDIOPATHY. Identifiers: Orphanet 217569, MedGen C0007194, MeSH D002312, MONDO:0005045, HP:0001639.

Allele frequency attached by ClinVar (database versions not stated): TOPMed 0.00006.
gnomAD v4.1: 32 of 1,609,152 alleles (0.002%); highest among the groups gnomAD compares: African/African-American, 0.012%; no homozygotes.

Submissions (8):

Labcorp Genetics (formerly Invitae), Labcorp
Classification: Likely benign for Hypertrophic cardiomyopathy. Last evaluated: 2025-12-22. Review status: criteria provided, single submitter. Criteria: Invitae Variant Classification Sherloc (09022015). Collection method: clinical testing. Allele origin: germline.

All of Us Research Program, National Institutes of Health
Classification: Likely benign for Cardiomyopathy. Last evaluated: 2023-08-15. Review status: criteria provided, single submitter. Criteria: ACMG Guidelines, 2015. Collection method: clinical testing. Allele origin: germline. Inheritance: Autosomal dominant inheritance. Observed: 2 variant alleles, 2 heterozygotes.
Comment: This study involves interpretation of variants in research participants for the purpose of population health screening. Participant phenotype was not available at the time of variant classification. Additional details can be found in publication PMID: 35346344, PMCID: PMC8962531

Ambry Genetics
Classification: Likely benign for Cardiovascular phenotype. Last evaluated: 2018-07-25. Review status: criteria provided, single submitter. Criteria: Ambry Variant Classification Scheme 2023. Collection method: clinical testing. Allele origin: germline.

Color Diagnostics, LLC DBA Color Health
Classification: Likely benign for Cardiomyopathy. Last evaluated: 2018-04-13. Review status: criteria provided, single submitter. Criteria: ACMG Guidelines, 2015. Collection method: clinical testing. Allele origin: germline.

GeneDx
Classification: Likely benign. Last evaluated: 2018-01-11. Review status: criteria provided, single submitter. Criteria: GeneDx Variant Classification (06012015). Collection method: clinical testing. Allele origin: germline. Affected: yes.
Comment: This variant is considered likely benign or benign based on one or more of the following criteria: it is a conservative change, it occurs at a poorly conserved position in the protein, it is predicted to be benign by multiple in silico algorithms, and/or has population frequency not consistent with disease.

Laboratory for Molecular Medicine, Mass General Brigham Personalized Medicine
Classification: Likely benign. Last evaluated: 2016-05-02. Review status: criteria provided, single submitter. Criteria: LMM Criteria. Collection method: clinical testing. Allele origin: germline. Observed: 1 variant allele.
Comment: p.Ile1207Ile in exon 27 of MYH7: This variant is not expected to have clinical s ignificance because it does not alter an amino acid residue and is not located w ithin the splice consensus sequence.

Clinical Genetics DNA and cytogenetics Diagnostics Lab, Erasmus MC, Erasmus Medical Center
Classification: Likely benign. Review status: no assertion criteria provided. Collection method: clinical testing. Allele origin: germline. Affected: yes. Study: VKGL Data-share Consensus. Not counted in ClinVar's aggregate classification.

Joint Genome Diagnostic Labs from Nijmegen and Maastricht, Radboudumc and MUMC+
Classification: Likely benign. Review status: no assertion criteria provided. Collection method: clinical testing. Allele origin: germline. Affected: yes. Study: VKGL Data-share Consensus. Not counted in ClinVar's aggregate classification.